The following is an entry in ClinVar:

ClinVar aggregate classification (germline): Conflicting classifications of pathogenicity. Review status: criteria provided, conflicting classifications (1 of 4 stars). 5 submissions from 5 submitters: Uncertain significance (1); Likely benign (3). 1 of the submissions does not count toward it. Last evaluated 2025-11-20.

Conditions:
MERTK-related disorder. Also called: MERTK-related condition.
Retinitis pigmentosa (RP). Identifiers: Orphanet 791, MedGen C0035334, MeSH D012174, MONDO:0019200, OMIM 268000. Inheritance: Autosomal dominant, autosomal recessive and X linked inheritance.
Retinal dystrophy. Also called: Inherited retinal dystrophy. Identifiers: Orphanet 71862, MedGen C0854723, MeSH D058499, MONDO:0019118, HP:0000556.

Allele frequency attached by ClinVar (database versions not stated): 1000 Genomes Project 0.00040; 1000 Genomes Project 30x 0.00062.
gnomAD v4.1: 163 of 1,614,004 alleles (0.01%); highest among the groups gnomAD compares: East Asian, 0.34%; no homozygotes.

Submissions (7):

Labcorp Genetics (formerly Invitae), Labcorp
Classification: Likely benign. Last evaluated: 2025-11-20. Review status: criteria provided, single submitter. Criteria: Invitae Variant Classification Sherloc (09022015). Collection method: clinical testing. Allele origin: germline.

Blueprint Genetics
Classification: Likely benign. Last evaluated: 2024-02-19. Review status: criteria provided, single submitter. Criteria: ACMG Guidelines, 2015. Collection method: clinical testing. Allele origin: germline.

Dept Of Ophthalmology, Nagoya University
Classification: Likely benign for Retinal dystrophy. Last evaluated: 2023-10-01. Review status: criteria provided, single submitter. Criteria: Submitter's publication. Collection method: research. Allele origin: germline. Affected: yes.

Illumina Laboratory Services, Illumina
Classification: Uncertain significance for Retinitis pigmentosa. Last evaluated: 2018-01-13. Review status: criteria provided, single submitter. Criteria: ICSL Variant Classification Criteria 13 December 2019. Collection method: clinical testing. Allele origin: germline.

PreventionGenetics, part of Exact Sciences
Classification: Likely benign for MERTK-related condition. Last evaluated: 2024-09-05. Review status: no assertion criteria provided. Collection method: clinical testing. Allele origin: germline. Not counted in ClinVar's aggregate classification.
Comment: This variant is classified as likely benign based on ACMG/AMP sequence variant interpretation guidelines (Richards et al. 2015 PMID: 25741868, with internal and published modifications).

Dr. Peter K. Rogan Lab, Western University
No classification provided (evidence only). Condition: Thyroid cancer, nonmedullary, 1. Review status: no classification provided. Collection method: in vitro. Allele origin: not applicable. Functional consequence: retained intron. Not counted in ClinVar's aggregate classification.

Dr. Peter K. Rogan Lab, Western University
No classification provided (evidence only). Condition: Gastric cancer. Review status: no classification provided. Collection method: in vitro. Allele origin: not applicable. Functional consequence: retained intron. Not counted in ClinVar's aggregate classification.

NM_006343.3(MERTK):c.756A>C (p.Pro252=)

Gene: MERTK (MER proto-oncogene, tyrosine kinase; plus strand). Cytogenetic location: 2q13.
Variant type: single nucleotide variant.
Coding change: c.756A>C on transcript NM_006343.3 (MANE Select); coding-DNA position 756, A replaced by C.
Protein change: p.Pro252=; no amino-acid change (proline 252 retained).
Molecular consequence: synonymous variant.
Genome position (GRCh38, 1-based): chr2:111,947,566, A>C. VCF-style: chr2-111947566-A-C. GRCh37 (hg19) VCF-style: chr2-112705143-A-C.
Identifiers: ClinVar variation 892712 (VCV000892712.17), dbSNP rs3761702, ClinGen allele CA1831142.
Genomic context (GRCh38, chr2:111,947,566, plus strand): 5'-TCAAAACAGTAGCCGTGTTAACGAACAGCCTGAAAAATCCCCCTCCGTGCTAACTGTTCC[A>C]GGTAAGTCCGAGCTGTGGGCTTATTGATTTATTCTCTAATAGCGGACAGGATCAAAAGTT-3'
Protein context (NP_006334.2, residues 242-262): PEKSPSVLTV[Pro252=]GLTEMAVFSC